The following is an entry in ClinVar:

NM_000321.3(RB1):c.1316T>A (p.Val439Asp)

Gene: RB1 (RB transcriptional corepressor 1; plus strand). Cytogenetic location: 13q14.2.
Variant type: single nucleotide variant.
Coding change: c.1316T>A on transcript NM_000321.3 (MANE Select); coding-DNA position 1316, T replaced by A.
Protein change: p.Val439Asp; replaces valine 439 with aspartic acid.
Molecular consequence: missense variant.
Genome position (GRCh38, 1-based): chr13:48,377,018, T>A. VCF-style: chr13-48377018-T-A. GRCh37 (hg19) VCF-style: chr13-48951154-T-A.
Other names: c.1316T>A, p.Val439Asp (NM_001407165.1, NM_001407166.1); short protein forms V439D.
Identifiers: ClinVar variation 4863019 (VCV004863019.1).
Genomic context (GRCh38, chr13:48,377,018, plus strand): 5'-TGAAGGATATAGGATACATCTTTAAAGAGAAATTTGCTAAAGCTGTGGGACAGGGTTGTG[T>A]CGAAATTGGATCACAGGTAACTTGAATTCATTGTAATTCGTGGTACTATAGAGTAATAAT-3'
Protein context (NP_000312.2, residues 429-449): KFAKAVGQGC[Val439Asp]EIGSQRYKLG

ClinVar aggregate classification (germline): Uncertain significance (1 of 4 stars; one submission).

Conditions:
Hereditary cancer-predisposing syndrome. Also called: Neoplastic Syndromes, Hereditary; Tumor predisposition; Hereditary Cancer Syndrome; Hereditary neoplastic syndrome. Identifiers: Orphanet 140162, MedGen C0027672, MeSH D009386, MONDO:0015356.

Submission:

Ambry Genetics
Classification: Uncertain significance for Hereditary cancer-predisposing syndrome. Last evaluated: 2026-04-19. Review status: criteria provided, single submitter. Criteria: Ambry Variant Classification Scheme 2023. Collection method: clinical testing. Allele origin: germline.
Comment: The p.V439D variant (also known as c.1316T>A), located in coding exon 13 of the RB1 gene, results from a T to A substitution at nucleotide position 1316. The valine at codon 439 is replaced by aspartic acid, an amino acid with highly dissimilar properties. This amino acid position is conserved. In addition, this alteration is predicted to be tolerated by in silico analysis. Based on the available evidence, the clinical significance of this variant remains unclear.